The following is an entry in ClinVar:

ClinVar aggregate classification (germline): Uncertain significance. Review status: criteria provided, multiple submitters, no conflicts (2 of 4 stars). 3 submissions from 3 submitters: Uncertain significance (3). Last evaluated 2025-04-17.

Conditions:
Cardiovascular phenotype. Identifiers: MedGen CN230736.
Arterial tortuosity syndrome (ATORS). Identifiers: Orphanet 3342, MedGen C1859726, MONDO:0008818, OMIM 208050.

Allele frequency attached by ClinVar (database versions not stated): gnomAD exomes below 0.00001 and 0.00001; TOPMed 0.00003.

Submissions (3):

GeneDx
Classification: Uncertain significance. Last evaluated: 2025-04-17. Review status: criteria provided, single submitter. Criteria: GeneDx Variant Classification Process June 2021. Collection method: clinical testing. Allele origin: germline. Affected: yes.
Comment: Not observed at significant frequency in large population cohorts (gnomAD); In silico analysis indicates that this missense variant does not alter protein structure/function; Has not been previously published as pathogenic or benign to our knowledge

Labcorp Genetics (formerly Invitae), Labcorp
Classification: Uncertain significance for Arterial tortuosity syndrome. Last evaluated: 2018-07-09. Review status: criteria provided, single submitter. Criteria: Invitae Variant Classification Sherloc (09022015). Collection method: clinical testing. Allele origin: germline.
Comment: This sequence change replaces glutamine with glutamic acid at codon 363 of the SLC2A10 protein (p.Gln363Glu). The glutamine residue is moderately conserved and there is a small physicochemical difference between glutamine and glutamic acid. This variant is not present in population databases (ExAC no frequency). This variant has not been reported in the literature in individuals with SLC2A10-related disease. ClinVar contains an entry for this variant (Variation ID: 263820). Algorithms developed to predict the effect of missense changes on protein structure and function output the following: SIFT: "Tolerated"; PolyPhen-2: "Benign"; Align-GVGD: "Class C0". The glutamic acid amino acid residue is found in multiple mammalian species, suggesting that this missense change does not adversely affect protein function. These predictions have not been confirmed by published functional studies and their clinical significance is uncertain. In summary, the available evidence is currently insufficient to determine the role of this variant in disease. Therefore, it has been classified as a Variant of Uncertain Significance.

Ambry Genetics
Classification: Uncertain significance for Cardiovascular phenotype. Last evaluated: 2014-02-26. Review status: criteria provided, single submitter. Criteria: Ambry Autosomal Dominant and X-Linked criteria (10/2015). Collection method: clinical testing. Allele origin: germline. Observed: 1 variant allele.
Comment: Ã¢â‚¬â€¹The p.Q363E variant (also known as c.1087C>G), located in coding exon 2 of the SLC2A10 gene, results from a C to G substitution at nucleotide position 1087. The glutamine at codon 363 is replaced by glutamic acid, an amino acid with some similar properties. This variant was not reported in population-based cohorts in the following databases: Database of Single Nucleotide Polymorphisms (dbSNP), NHLBI Exome Sequencing Project (ESP), and 1000 Genomes Project. Based on protein sequence alignment, this amino acid position is not conserved in available vertebrate species, and glutamic acid is the reference amino acid in rabbit and pika. In addition, this alteration is predicted to be tolerated by in silico analysis. Since supporting evidence is limited at this time, the clinical significance of this variant remains unclear.

NM_030777.4(SLC2A10):c.1087C>G (p.Gln363Glu)

Gene: SLC2A10 (solute carrier family 2 member 10; plus strand). Cytogenetic location: 20q13.12.
Variant type: single nucleotide variant.
Coding change: c.1087C>G on transcript NM_030777.4 (MANE Select); coding-DNA position 1087, C replaced by G.
Protein change: p.Gln363Glu; replaces glutamine 363 with glutamic acid.
Molecular consequence: missense variant.
Genome position (GRCh38, 1-based): chr20:46,726,123, C>G. VCF-style: chr20-46726123-C-G. GRCh37 (hg19) VCF-style: chr20-45354762-C-G.
Other names: short protein forms Q363E.
Identifiers: ClinVar variation 263820 (VCV000263820.11), dbSNP rs886038934, ClinGen allele CA10587931.
Genomic context (GRCh38, chr20:46,726,123, plus strand): 5'-GGAGACTCTGGCCTGCTGCAGGACTCCTCTCTACCTCCCATTCCAAGGACCAATGAGGAC[C>G]AAAGGGAGCCAATCTTGTCCACTGCTAAGAAAACCAAGCCCCATCCCAGATCTGGAGACC-3'
Protein context (NP_110404.1, residues 353-373): LPPIPRTNED[Gln363Glu]REPILSTAKK